The following is an entry in ClinVar:

NM_000057.4(BLM):c.680A>G (p.Asp227Gly)

Gene: BLM (BLM RecQ like helicase; plus strand). Cytogenetic location: 15q26.1.
Variant type: single nucleotide variant.
Coding change: c.680A>G on transcript NM_000057.4 (MANE Select); coding-DNA position 680, A replaced by G.
Protein change: p.Asp227Gly; replaces aspartic acid 227 with glycine.
Molecular consequence: missense variant. On other transcripts: 5 prime UTR variant (1).
Genome position (GRCh38, 1-based): chr15:90,749,948, A>G. VCF-style: chr15-90749948-A-G. GRCh37 (hg19) VCF-style: chr15-91293178-A-G.
Other names: c.680A>G, p.Asp227Gly (NM_001287246.2, NM_001287247.2); c.-612A>G (NM_001287248.2); short protein forms D227G.
Identifiers: ClinVar variation 4622711 (VCV004622711.1).

ClinVar aggregate classification (germline): Uncertain significance (1 of 4 stars; one submission).

Conditions:
Hereditary cancer-predisposing syndrome. Also called: Neoplastic Syndromes, Hereditary; Tumor predisposition; Hereditary Cancer Syndrome; Hereditary neoplastic syndrome. Identifiers: Orphanet 140162, MedGen C0027672, MeSH D009386, MONDO:0015356.

Submission:

Ambry Genetics
Classification: Uncertain significance for Hereditary cancer-predisposing syndrome. Last evaluated: 2025-10-22. Review status: criteria provided, single submitter. Criteria: Ambry Variant Classification Scheme 2023. Collection method: clinical testing. Allele origin: germline.
Comment: The p.D227G variant (also known as c.680A>G), located in coding exon 2 of the BLM gene, results from an A to G substitution at nucleotide position 680. The aspartic acid at codon 227 is replaced by glycine, an amino acid with similar properties. This amino acid position is conserved. In addition, this alteration is predicted to be tolerated by in silico analysis. Based on the available evidence, the clinical significance of this variant remains unclear.